The following is an entry in ClinVar:

ClinVar aggregate classification (germline): Likely pathogenic (1 of 4 stars; one submission).

Conditions:
Dyskeratosis congenita, autosomal dominant 2. Identifiers: MedGen C3151443, MONDO:0013521, OMIM 613989.
Idiopathic Pulmonary Fibrosis. Also called: Idiopathic fibrosing alveolitis, chronic form; idiopathic fibrosing alveolitis. Identifiers: Orphanet 2032, MedGen C1800706, MeSH D054990, MONDO:0800504.

Submission:

Labcorp Genetics (formerly Invitae), Labcorp
Classification: Likely pathogenic for Dyskeratosis congenita, autosomal dominant 2; Idiopathic Pulmonary Fibrosis. Last evaluated: 2023-03-31. Review status: criteria provided, single submitter. Criteria: Invitae Variant Classification Sherloc (09022015). Collection method: clinical testing. Allele origin: germline.
Comment: This sequence change affects a donor splice site in intron 6 of the TERT gene. It is expected to disrupt RNA splicing. Variants that disrupt the donor or acceptor splice site typically lead to a loss of protein function (PMID: 16199547), and loss-of-function variants in TERT are known to be pathogenic (PMID: 16247010, 17460043). This variant is not present in population databases (gnomAD no frequency). Disruption of this splice site has been observed in individual(s) with pulmonary fibrosis (PMID: 30995915). Algorithms developed to predict the effect of sequence changes on RNA splicing suggest that this variant may disrupt the consensus splice site. In summary, the currently available evidence indicates that the variant is pathogenic, but additional data are needed to prove that conclusively. Therefore, this variant has been classified as Likely Pathogenic.

Literature cited by the submitters: PubMed 16199547; PubMed 16247010; PubMed 17460043; PubMed 30995915.

NM_198253.3(TERT):c.2286+1G>T

Gene: TERT (telomerase reverse transcriptase; minus strand). Cytogenetic location: 5p15.33.
Variant type: single nucleotide variant.
Coding change: c.2286+1G>T on transcript NM_198253.3 (MANE Select); the canonical splice donor site of the intron after coding-DNA position 2286, G replaced by T.
Molecular consequence: splice donor variant.
Genome position (GRCh38, 1-based): chr5:1,278,640, C>A on the plus strand (G>T on the coding strand, the complement: TERT is on the minus strand). VCF-style: chr5-1278640-C-A. GRCh37 (hg19) VCF-style: chr5-1278755-C-A.
Other names: c.2286+1G>T (NM_001193376.3).
Identifiers: ClinVar variation 2941310 (VCV002941310.3), dbSNP rs1749780301, ClinGen allele CA359078615.
Genomic context (GRCh38, chr5:1,278,640, plus strand): 5'-TAGACACATTCATATCCCAGAGACACACATCCTGGACACGACTATCACACGTGAACCTTA[C>A]GTGGCTCTTGAAGGCCTTGCGGACGTGCCCATGGGCGGCCTTCTGGACCACGGCATACCG-3'